The following is an entry in ClinVar:

NM_206937.2(LIG4):c.1312T>C (p.Tyr438His)

Gene: LIG4 (DNA ligase 4; minus strand). Cytogenetic location: 13q33.3.
Variant type: single nucleotide variant.
Coding change: c.1312T>C on transcript NM_206937.2 (MANE Select); coding-DNA position 1312, T replaced by C.
Protein change: p.Tyr438His; replaces tyrosine 438 with histidine.
Molecular consequence: missense variant.
Genome position (GRCh38, 1-based): chr13:108,209,957, A>G on the plus strand (T>C on the coding strand, the complement: LIG4 is on the minus strand). VCF-style: chr13-108209957-A-G. GRCh37 (hg19) VCF-style: chr13-108862305-A-G.
Other names: c.1312T>C, p.Tyr438His (NM_001098268.2, NM_001352598.2, NM_001352599.2 and 6 more transcripts); c.1111T>C, p.Tyr371His (NM_001330595.2); c.1348T>C, p.Tyr450His (NM_001352604.2); short protein forms Y438H, Y450H, Y371H.
Identifiers: ClinVar variation 225274 (VCV000225274.2), dbSNP rs886037777, ClinGen allele CA10576017.

ClinVar aggregate classification (germline): Likely pathogenic (1 of 4 stars; one submission).

Conditions:
DNA ligase IV deficiency. Identifiers: Orphanet 99812, MedGen C1847827, MONDO:0011686, OMIM 606593.

Allele frequency attached by ClinVar (database versions not stated): gnomAD 0.00001; TOPMed below 0.00001.
gnomAD v4.1: 1 of 1,613,592 alleles (0.000062%); highest among the groups gnomAD compares: Middle Eastern, 0.016%; no homozygotes.

Submission:

Sidra Medicine
Classification: Likely pathogenic for DNA ligase IV deficiency. Review status: criteria provided, single submitter. Criteria: ACMG Guidelines, 2015. Collection method: clinical testing. Allele origin: germline. Inheritance: Autosomal recessive inheritance. Affected: yes. Observed: 1 variant allele, 1 homozygote.

Literature cited by the submitters: PubMed 27855655.